The following is an entry in ClinVar:

NM_174936.4(PCSK9):c.1549G>A (p.Gly517Ser)

Gene: PCSK9 (proprotein convertase subtilisin/kexin type 9; plus strand). Cytogenetic location: 1p32.3.
Variant type: single nucleotide variant.
Coding change: c.1549G>A on transcript NM_174936.4 (MANE Select); coding-DNA position 1549, G replaced by A.
Protein change: p.Gly517Ser; replaces glycine 517 with serine.
Molecular consequence: missense variant. On other transcripts: non-coding transcript variant (7), intron variant (1).
Genome position (GRCh38, 1-based): chr1:55,059,531, G>A. VCF-style: chr1-55059531-G-A. GRCh37 (hg19) VCF-style: chr1-55525204-G-A.
Other names: c.1672G>A, p.Gly558Ser (NM_001407240.1); c.1591G>A, p.Gly531Ser (NM_001407241.1); c.1552G>A, p.Gly518Ser (NM_001407242.1); c.1492G>A, p.Gly498Ser (NM_001407243.1); c.1375G>A, p.Gly459Ser (NM_001407244.1); c.1357G>A, p.Gly453Ser (NM_001407245.1); c.1174G>A, p.Gly392Ser (NM_001407246.1); c.1181-1844G>A (NM_001407247.1); short protein forms G453S, G558S, G518S, G531S, G498S, G517S, G392S, G459S.
Identifiers: ClinVar variation 2774061 (VCV002774061.7), dbSNP rs1484036219, ClinGen allele CA340479787.

ClinVar aggregate classification (germline): Uncertain significance. Review status: criteria provided, multiple submitters, no conflicts (2 of 4 stars). 4 submissions from 4 submitters: Uncertain significance (4). Last evaluated 2025-07-07.

Conditions:
Cardiovascular phenotype. Identifiers: MedGen CN230736.
Hypercholesterolemia, autosomal dominant, 3 (FHCL3). Also called: Familial Hypercholesterolemia, Autosomal Dominant, 3; PCSK9-Related Familial Hypercholesterolemia, Autosomal Dominant; Familial hypercholesterolemia 3. Identifiers: MedGen C1863551, MONDO:0011369, OMIM 603776.
Familial hypercholesterolemia. Also called: Familial hypercholesterolemias; Familial hypercholesterolaemia. Identifiers: MedGen C0020445, MONDO:0005439.

Allele frequency attached by ClinVar (database versions not stated): gnomAD exomes below 0.00001; gnomAD 0.00001; TOPMed 0.00001.
gnomAD v4.1: 4 of 1,564,150 alleles (0.00026%); highest among the groups gnomAD compares: African/African-American, 0.0013%; no homozygotes.

Submissions (4):

Color Diagnostics, LLC DBA Color Health
Classification: Uncertain significance for Familial hypercholesterolemia. Last evaluated: 2025-07-07. Review status: criteria provided, single submitter. Criteria: ACMG Guidelines, 2015. Collection method: clinical testing. Allele origin: germline.
Comment: This missense variant replaces glycine with serine at codon 517 of the PCSK9 protein. Computational prediction suggests that this variant may not impact protein structure and function. To our knowledge, functional studies have not been reported for this variant. This variant has not been reported in individuals affected with PCSK9-related disorders in the literature. This variant has been identified in 1/203234 chromosomes in the general population by the Genome Aggregation Database (gnomAD). The available evidence is insufficient to determine the role of this variant in disease conclusively. Therefore, this variant is classified as a Variant of Uncertain Significance.

Ambry Genetics
Classification: Uncertain significance for Cardiovascular phenotype. Last evaluated: 2024-10-29. Review status: criteria provided, single submitter. Criteria: Ambry Variant Classification Scheme 2023. Collection method: clinical testing. Allele origin: germline.
Comment: The p.G517S variant (also known as c.1549G>A), located in coding exon 10 of the PCSK9 gene, results from a G to A substitution at nucleotide position 1549. The glycine at codon 517 is replaced by serine, an amino acid with similar properties. This amino acid position is conserved. In addition, the in silico prediction for this alteration is inconclusive. Based on the available evidence, the clinical significance of this variant remains unclear.

Labcorp Genetics (formerly Invitae), Labcorp
Classification: Uncertain significance for Hypercholesterolemia, autosomal dominant, 3. Last evaluated: 2024-10-26. Review status: criteria provided, single submitter. Criteria: Invitae Variant Classification Sherloc (09022015). Collection method: clinical testing. Allele origin: germline.
Comment: This sequence change replaces glycine, which is neutral and non-polar, with serine, which is neutral and polar, at codon 517 of the PCSK9 protein (p.Gly517Ser). This variant is present in population databases (no rsID available, gnomAD 0.001%). This variant has not been reported in the literature in individuals affected with PCSK9-related conditions. Invitae Evidence Modeling of protein sequence and biophysical properties (such as structural, functional, and spatial information, amino acid conservation, physicochemical variation, residue mobility, and thermodynamic stability) indicates that this missense variant is not expected to disrupt PCSK9 protein function with a negative predictive value of 80%. In summary, the available evidence is currently insufficient to determine the role of this variant in disease. Therefore, it has been classified as a Variant of Uncertain Significance.

All of Us Research Program, National Institutes of Health
Classification: Uncertain significance for Hypercholesterolemia, autosomal dominant, 3. Last evaluated: 2023-08-15. Review status: criteria provided, single submitter. Criteria: ACMG Guidelines, 2015. Collection method: clinical testing. Allele origin: germline. Inheritance: Autosomal dominant inheritance. Observed: 1 variant allele, 1 heterozygote.
Comment: This study involves interpretation of variants in research participants for the purpose of population health screening. Participant phenotype was not available at the time of variant classification. Additional details can be found in publication PMID: 35346344, PMCID: PMC8962531